The following is an entry in ClinVar:

ClinVar aggregate classification (germline): Uncertain significance (1 of 4 stars; one submission).

Conditions:
Primary immunodeficiency with post-measles-mumps-rubella vaccine viral infection. Also called: Immunodeficiency 44. Identifiers: Orphanet 431166, MedGen C4225260, MONDO:0014715, OMIM 616636.

gnomAD v4.1: 4 of 1,613,970 alleles (0.00025%); highest among the groups gnomAD compares: Middle Eastern, 0.033%; no homozygotes.

Submission:

Labcorp Genetics (formerly Invitae), Labcorp
Classification: Uncertain significance for Primary immunodeficiency with post-measles-mumps-rubella vaccine viral infection. Last evaluated: 2024-01-03. Review status: criteria provided, single submitter. Criteria: Invitae Variant Classification Sherloc (09022015). Collection method: clinical testing. Allele origin: germline.
Comment: This sequence change replaces valine, which is neutral and non-polar, with methionine, which is neutral and non-polar, at codon 348 of the STAT2 protein (p.Val348Met). This variant is not present in population databases (gnomAD no frequency). This variant has not been reported in the literature in individuals affected with STAT2-related conditions. ClinVar contains an entry for this variant (Variation ID: 1411404). Advanced modeling of protein sequence and biophysical properties (such as structural, functional, and spatial information, amino acid conservation, physicochemical variation, residue mobility, and thermodynamic stability) performed at Invitae indicates that this missense variant is expected to disrupt STAT2 protein function with a positive predictive value of 80%. In summary, the available evidence is currently insufficient to determine the role of this variant in disease. Therefore, it has been classified as a Variant of Uncertain Significance.

NM_005419.4(STAT2):c.1042G>A (p.Val348Met)

Gene: STAT2 (signal transducer and activator of transcription 2; minus strand). Cytogenetic location: 12q13.3.
Variant type: single nucleotide variant.
Coding change: c.1042G>A on transcript NM_005419.4 (MANE Select); coding-DNA position 1042, G replaced by A.
Protein change: p.Val348Met; replaces valine 348 with methionine.
Molecular consequence: missense variant.
Genome position (GRCh38, 1-based): chr12:56,350,881, C>T on the plus strand (G>A on the coding strand, the complement: STAT2 is on the minus strand). VCF-style: chr12-56350881-C-T. GRCh37 (hg19) VCF-style: chr12-56744665-C-T.
Other names: c.1030G>A, p.Val344Met (NM_001385110.1, NM_001385115.1, NM_198332.2); c.1042G>A, p.Val348Met (NM_001385111.1, NM_001385113.1, NM_001385114.1); short protein forms V348M, V344M.
Identifiers: ClinVar variation 1411404 (VCV001411404.4), dbSNP rs763090413, ClinGen allele CA385261938.